The following is an entry in ClinVar:

ClinVar aggregate classification (germline): Conflicting classifications of pathogenicity. Review status: criteria provided, conflicting classifications (1 of 4 stars). 3 submissions from 3 submitters: Uncertain significance (1); Likely benign (2). Last evaluated 2025-12-14.

Conditions:
Dilated cardiomyopathy 1O (CMD1O). Also called: CARDIOMYOPATHY, DILATED, WITH VENTRICULAR TACHYCARDIA. Identifiers: Orphanet 154, MedGen C1837839, MONDO:0012062, OMIM 608569.
Cardiovascular phenotype. Identifiers: MedGen CN230736.

Allele frequency attached by ClinVar (database versions not stated): gnomAD 0.00002; gnomAD exomes 0.00002 and 0.00004; TOPMed 0.00002; ExAC 0.00003.
gnomAD v4.1: 61 of 1,613,560 alleles (0.0038%); highest among the groups gnomAD compares: Non-Finnish European, 0.0045%; no homozygotes.

Submissions (3):

Labcorp Genetics (formerly Invitae), Labcorp
Classification: Likely benign for Dilated cardiomyopathy 1O. Last evaluated: 2025-12-14. Review status: criteria provided, single submitter. Criteria: Invitae Variant Classification Sherloc (09022015). Collection method: clinical testing. Allele origin: germline.

Ambry Genetics
Classification: Uncertain significance for Cardiovascular phenotype. Last evaluated: 2023-12-21. Review status: criteria provided, single submitter. Criteria: Ambry Variant Classification Scheme 2023. Collection method: clinical testing. Allele origin: germline.
Comment: The c.3060G>A variant (also known as p.S1020S), located in coding exon 24 of the ABCC9 gene, results from a G to A substitution at nucleotide position 3060. This nucleotide substitution does not change the serine at codon 1020. This nucleotide position is poorly conserved in available vertebrate species. In silico splice site analysis for this alteration is inconclusive. Since supporting evidence is limited at this time, the clinical significance of this alteration remains unclear.

GeneDx
Classification: Likely benign. Last evaluated: 2018-01-19. Review status: criteria provided, single submitter. Criteria: GeneDx Variant Classification (06012015). Collection method: clinical testing. Allele origin: germline. Affected: yes.
Comment: This variant is considered likely benign or benign based on one or more of the following criteria: it is a conservative change, it occurs at a poorly conserved position in the protein, it is predicted to be benign by multiple in silico algorithms, and/or has population frequency not consistent with disease.

NM_020297.4(ABCC9):c.3060G>A (p.Ser1020=)

Gene: ABCC9 (ATP binding cassette subfamily C member 9; minus strand). Cytogenetic location: 12p12.1.
Variant type: single nucleotide variant.
Coding change: c.3060G>A on transcript NM_020297.4 (MANE Select); coding-DNA position 3060, G replaced by A.
Protein change: p.Ser1020=; no amino-acid change (serine 1020 retained).
Molecular consequence: synonymous variant.
Genome position (GRCh38, 1-based): chr12:21,845,639, C>T on the plus strand (G>A on the coding strand, the complement: ABCC9 is on the minus strand). VCF-style: chr12-21845639-C-T. GRCh37 (hg19) VCF-style: chr12-21998573-C-T.
Other names: c.3060G>A, p.Ser1020= (NM_001377273.1, NM_005691.4); c.2193G>A, p.Ser731= (NM_001377274.1).
Identifiers: ClinVar variation 514735 (VCV000514735.10), dbSNP rs769003781, ClinGen allele CA6481226.